The following is an entry in ClinVar:

NM_014915.3(ANKRD26):c.157G>T (p.Ala53Ser)

Genes: ANKRD26 (ankyrin repeat domain containing 26; minus strand), LOC130003554 (ATAC-STARR-seq lymphoblastoid silent region 2243; plus strand). Cytogenetic location: 10p12.1.
Variant type: single nucleotide variant.
Coding change: c.157G>T on transcript NM_014915.3 (MANE Select); coding-DNA position 157, G replaced by T.
Protein change: p.Ala53Ser; replaces alanine 53 with serine.
Molecular consequence: missense variant.
Genome position (GRCh38, 1-based): chr10:27,100,170, C>A on the plus strand (G>T on the coding strand, the complement: ANKRD26 is on the minus strand). VCF-style: chr10-27100170-C-A. GRCh37 (hg19) VCF-style: chr10-27389099-C-A.
Other names: c.157G>T, p.Ala53Ser (NM_001256053.2); short protein forms A53S.
Identifiers: ClinVar variation 3395692 (VCV003395692.1).

ClinVar aggregate classification (germline): Uncertain significance (1 of 4 stars; one submission).

Conditions:
Inborn genetic diseases. Identifiers: MedGen C0950123, MeSH D030342.

Submission:

Ambry Genetics
Classification: Uncertain significance for Inborn genetic diseases. Last evaluated: 2024-12-08. Review status: criteria provided, single submitter. Criteria: Ambry Variant Classification Scheme 2023. Collection method: clinical testing. Allele origin: germline.
Comment: The p.A53S variant (also known as c.157G>T), located in coding exon 1 of the ANKRD26 gene, results from a G to T substitution at nucleotide position 157. The alanine at codon 53 is replaced by serine, an amino acid with similar properties. This amino acid position is conserved. In addition, the in silico prediction for this alteration is inconclusive. Based on the available evidence, the clinical significance of this variant remains unclear.